The following is an entry in ClinVar:

NM_018668.5(VPS33B):c.244T>C (p.Cys82Arg)

Gene: VPS33B (VPS33B late endosome and lysosome associated; minus strand). Cytogenetic location: 15q26.1.
Variant type: single nucleotide variant.
Coding change: c.244T>C on transcript NM_018668.5 (MANE Select); coding-DNA position 244, T replaced by C.
Protein change: p.Cys82Arg; replaces cysteine 82 with arginine.
Molecular consequence: missense variant. On other transcripts: 5 prime UTR variant (1).
Genome position (GRCh38, 1-based): chr15:91,014,429, A>G on the plus strand (T>C on the coding strand, the complement: VPS33B is on the minus strand). VCF-style: chr15-91014429-A-G. GRCh37 (hg19) VCF-style: chr15-91557659-A-G.
Other names: c.163T>C, p.Cys55Arg (NM_001289148.1); c.-30T>C (NM_001289149.1); short protein forms C55R, C82R.
Identifiers: ClinVar variation 5019164 (VCV005019164.2).

ClinVar aggregate classification (germline): Uncertain significance (1 of 4 stars; one submission).

Conditions:
Keratoderma-ichthyosis-deafness syndrome, autosomal recessive (KDIDAR). Identifiers: MedGen C5774200, MONDO:0859278, OMIM 620009.
Cholestasis, progressive familial intrahepatic, 12 (PFIC12). Also called: CHOLESTASIS, ISOLATED LOW-GGT. Identifiers: MedGen C5774311, MONDO:0031040, OMIM 620010.
Arthrogryposis, renal dysfunction, and cholestasis 1 (ARCS1). Identifiers: Orphanet 2697, MedGen C1859722, MONDO:0008822, OMIM 208085.

Submission:

Juno Genomics, Hangzhou Juno Genomics, Inc
Classification: Uncertain significance for Arthrogryposis, renal dysfunction, and cholestasis 1; Cholestasis, progressive familial intrahepatic, 12; Keratoderma-ichthyosis-deafness syndrome, autosomal recessive. Review status: criteria provided, single submitter. Criteria: ACMG Guidelines, 2015. Collection method: clinical testing. Allele origin: germline.
Comment: Absent from controls (or at extremely low frequency if recessive) in Genome Aggregation Database.;Multiple lines of computational evidence support a deleterious effect on the gene or gene product.